The following is an entry in ClinVar:

NM_001374259.2(IL12RB2):c.2180C>T (p.Pro727Leu)

Gene: IL12RB2 (interleukin 12 receptor subunit beta 2; plus strand). Cytogenetic location: 1p31.3.
Variant type: single nucleotide variant.
Coding change: c.2180C>T on transcript NM_001374259.2 (MANE Select); coding-DNA position 2180, C replaced by T.
Protein change: p.Pro727Leu; replaces proline 727 with leucine.
Molecular consequence: missense variant. On other transcripts: 3 prime UTR variant (3), non-coding transcript variant (2).
Genome position (GRCh38, 1-based): chr1:67,395,680, C>T. VCF-style: chr1-67395680-C-T. GRCh37 (hg19) VCF-style: chr1-67861363-C-T.
Other names: c.*100C>T (NM_001258214.1, NM_001319233.1); c.1922C>T, p.Pro641Leu (NM_001258215.1); c.*81C>T (NM_001258216.1); c.2180C>T, p.Pro727Leu (NM_001559.3); short protein forms P641L, P727L.
Identifiers: ClinVar variation 1972970 (VCV001972970.5), dbSNP rs1570252385, ClinGen allele CA340735040.

ClinVar aggregate classification (germline): Uncertain significance (1 of 4 stars; one submission).

Allele frequency attached by ClinVar (database versions not stated): gnomAD exomes below 0.00001.
gnomAD v4.1: 1 of 1,614,052 alleles (0.000062%); highest among the groups gnomAD compares: Admixed American, 0.0017%; no homozygotes.

Submission:

Labcorp Genetics (formerly Invitae), Labcorp
Classification: Uncertain significance. Last evaluated: 2024-02-24. Review status: criteria provided, single submitter. Criteria: Invitae Variant Classification Sherloc (09022015). Collection method: clinical testing. Allele origin: germline.
Comment: This sequence change replaces proline, which is neutral and non-polar, with leucine, which is neutral and non-polar, at codon 727 of the IL12RB2 protein (p.Pro727Leu). This variant is not present in population databases (gnomAD no frequency). This variant has not been reported in the literature in individuals affected with IL12RB2-related conditions. ClinVar contains an entry for this variant (Variation ID: 1972970). Algorithms developed to predict the effect of missense changes on protein structure and function output the following: SIFT: "Not Available"; PolyPhen-2: "Benign"; Align-GVGD: "Not Available". The leucine amino acid residue is found in multiple mammalian species, which suggests that this missense change does not adversely affect protein function. In summary, the available evidence is currently insufficient to determine the role of this variant in disease. Therefore, it has been classified as a Variant of Uncertain Significance.